The following is an entry in ClinVar:

ClinVar aggregate classification (germline): Likely pathogenic (1 of 4 stars; one submission).

Submission:

Dasa
Classification: Likely pathogenic. Last evaluated: 2025-01-28. Review status: criteria provided, single submitter. Criteria: DASA Assertion Criteria. Collection method: clinical testing. Allele origin: germline.
Comment: NM_020451.3(SELENON):c.721_724dup (p.Pro242Leufs*60) is a frameshift variant in SELENON predicted to alter the reading frame and introduce a premature termination codon and is predicted to result in an absent or altered protein product. Loss of function is an established disease mechanism for SELENON-associated disorders. Also, this variant is absent from population databases. Based on the currently available evidence, this variant is classified as likely pathogenic.

NM_206926.2(SELENON):c.619_622dup (p.Pro208fs)

Gene: SELENON (selenoprotein N; plus strand). Cytogenetic location: 1p36.11.
Variant type: Duplication.
Coding change: c.619_622dup on transcript NM_206926.2 (MANE Select); coding-DNA positions 619 to 622, 4 bases duplicated (TATC; older notation c.619_622dupTATC).
Protein change: p.Pro208fs; shifts the reading frame from proline 208.
Molecular consequence: frameshift variant.
Genome position (GRCh38, 1-based): chr1:25,808,763-25,808,766, TATC duplicated; duplicating any 4 consecutive bases within chr1:25,808,761-25,808,766 gives the same sequence; the c. name uses the placement nearest the transcript's 3' end. VCF-style (leftmost placement, unchanged base first): chr1-25808760-T-TTCTA. GRCh37 (hg19) VCF-style: chr1-26135251-T-TTCTA.
Other names: c.721_724dup, p.Pro242fs (NM_020451.3); short protein forms P208fs, P242fs.
Identifiers: ClinVar variation 4886557 (VCV004886557.2).